The following is an entry in ClinVar:

NM_005708.5(GPC6):c.*3693A>G

Gene: GPC6 (glypican 6; plus strand). Cytogenetic location: 13q32.1.
Variant type: single nucleotide variant.
Coding change: c.*3693A>G on transcript NM_005708.5 (MANE Select); 3693 bases downstream of the stop codon, A replaced by G.
Molecular consequence: 3 prime UTR variant.
Genome position (GRCh38, 1-based): chr13:94,406,910, A>G. VCF-style: chr13-94406910-A-G. GRCh37 (hg19) VCF-style: chr13-95059164-A-G.
Identifiers: ClinVar variation 312598 (VCV000312598.6), dbSNP rs7988636, ClinGen allele CA10644909.

ClinVar aggregate classification (germline): Benign. Review status: criteria provided, multiple submitters, no conflicts (2 of 4 stars). 2 submissions from 2 submitters: Benign (2). Last evaluated 2018-01-13.

Conditions:
Autosomal recessive omodysplasia (OMOD1). Also called: MICROMELIC DYSPLASIA, CONGENITAL, WITH DISLOCATION OF RADIUS. Identifiers: Orphanet 2733, Orphanet 93329, MedGen C1850318, MONDO:0009779, OMIM 258315.

Allele frequency attached by ClinVar (database versions not stated): 1000 Genomes Project 30x 0.18457; 1000 Genomes Project 0.18990; TOPMed 0.20096; gnomAD 0.20296 and 0.20325.

Submissions (2):

Illumina Laboratory Services, Illumina
Classification: Benign for Autosomal recessive omodysplasia. Last evaluated: 2018-01-13. Review status: criteria provided, single submitter. Criteria: ICSL Variant Classification Criteria 13 December 2019. Collection method: clinical testing. Allele origin: germline.
Comment: This variant was observed in the ICSL laboratory as part of a predisposition screen in an ostensibly healthy population. It had not been previously curated by ICSL or reported in the Human Gene Mutation Database (HGMD: prior to June 1st, 2018), and was therefore a candidate for classification through an automated scoring system. Utilizing variant allele frequency, disease prevalence and penetrance estimates, and inheritance mode, an automated score was calculated to assess if this variant is too frequent to cause the disease. Based on the score and internal cut-off values, a variant classified as benign is not then subjected to further curation. The score for this variant resulted in a classification of benign for this disease.

Breakthrough Genomics
Classification: Benign. Review status: criteria provided, single submitter. Criteria: ACMG Guidelines, 2015. Collection method: not provided. Allele origin: germline. Inheritance: Autosomal recessive inheritance. Affected: yes.